The following is an entry in ClinVar:

ClinVar aggregate classification (germline): Uncertain significance (1 of 4 stars; one submission).

Submission:

Labcorp Genetics (formerly Invitae), Labcorp
Classification: Uncertain significance. Last evaluated: 2025-10-02. Review status: criteria provided, single submitter. Criteria: Invitae Variant Classification Sherloc (09022015). Collection method: clinical testing. Allele origin: germline.
Comment: This sequence change replaces leucine, which is neutral and non-polar, with valine, which is neutral and non-polar, at codon 3815 of the VPS13D protein (p.Leu3815Val). This variant is not present in population databases (gnomAD no frequency). This variant has not been reported in the literature in individuals affected with VPS13D-related conditions. Invitae Evidence Modeling of protein sequence and biophysical properties (such as structural, functional, and spatial information, amino acid conservation, physicochemical variation, residue mobility, and thermodynamic stability) indicates that this missense variant is not expected to disrupt VPS13D protein function with a negative predictive value of 80%. In summary, the available evidence is currently insufficient to determine the role of this variant in disease. Therefore, it has been classified as a Variant of Uncertain Significance.

NM_015378.4(VPS13D):c.11443C>G (p.Leu3815Val)

Gene: VPS13D (vacuolar protein sorting 13 homolog D; plus strand). Cytogenetic location: 1p36.22.
Variant type: single nucleotide variant.
Coding change: c.11443C>G on transcript NM_015378.4 (MANE Select); coding-DNA position 11443, C replaced by G.
Protein change: p.Leu3815Val; replaces leucine 3815 with valine.
Molecular consequence: missense variant.
Genome position (GRCh38, 1-based): chr1:12,385,332, C>G. VCF-style: chr1-12385332-C-G. GRCh37 (hg19) VCF-style: chr1-12445391-C-G.
Other names: c.11368C>G, p.Leu3790Val (NM_018156.4); short protein forms L3790V, L3815V.
Identifiers: ClinVar variation 4725629 (VCV004725629.1).